The following is an entry in ClinVar:

ClinVar aggregate classification (germline): Uncertain significance (1 of 4 stars; one submission).

gnomAD v4.1: 3 of 1,614,156 alleles (0.00019%); highest among the groups gnomAD compares: Non-Finnish European, 0.00025%; no homozygotes.

Submission:

Ambry Genetics
Classification: Uncertain significance. Last evaluated: 2025-04-13. Review status: criteria provided, single submitter. Criteria: Ambry Variant Classification Scheme 2023. Collection method: clinical testing. Allele origin: germline.
Comment: The p.A15V variant (also known as c.44C>T), located in coding exon 1 of the A2ML1 gene, results from a C to T substitution at nucleotide position 44. The alanine at codon 15 is replaced by valine, an amino acid with similar properties. This amino acid position is conserved. In addition, this alteration is predicted to be tolerated by in silico analysis. Based on the available evidence, the clinical significance of this variant remains unclear.

NM_144670.6(A2ML1):c.44C>T (p.Ala15Val)

Genes: A2ML1 (alpha-2-macroglobulin like 1; plus strand), A2ML1-AS1 (A2ML1 antisense RNA 1; minus strand). Cytogenetic location: 12p13.31.
Variant type: single nucleotide variant.
Coding change: c.44C>T on transcript NM_144670.6 (MANE Select); coding-DNA position 44, C replaced by T.
Protein change: p.Ala15Val; replaces alanine 15 with valine.
Molecular consequence: missense variant.
Genome position (GRCh38, 1-based): chr12:8,822,695, C>T. VCF-style: chr12-8822695-C-T. GRCh37 (hg19) VCF-style: chr12-8975291-C-T.
Other names: short protein forms A15V.
Identifiers: ClinVar variation 4053891 (VCV004053891.1).